The following is an entry in ClinVar:

ClinVar aggregate classification (germline): Uncertain significance. Review status: criteria provided, multiple submitters, no conflicts (2 of 4 stars). 2 submissions from 2 submitters: Uncertain significance (2). Last evaluated 2024-09-10.

Allele frequency attached by ClinVar (database versions not stated): TOPMed 0.00003; gnomAD 0.00005.
gnomAD v4.1: 15 of 1,560,752 alleles (0.00096%); highest among the groups gnomAD compares: African/African-American, 0.014%; no homozygotes.

Submissions (2):

Ambry Genetics
Classification: Uncertain significance. Last evaluated: 2024-09-10. Review status: criteria provided, single submitter. Criteria: Ambry Variant Classification Scheme 2023. Collection method: clinical testing. Allele origin: germline.

Labcorp Genetics (formerly Invitae), Labcorp
Classification: Uncertain significance. Last evaluated: 2023-03-07. Review status: criteria provided, single submitter. Criteria: Invitae Variant Classification Sherloc (09022015). Collection method: clinical testing. Allele origin: germline.
Comment: This sequence change replaces histidine, which is basic and polar, with arginine, which is basic and polar, at codon 332 of the WNT3A protein (p.His332Arg). The frequency data for this variant in the population databases is considered unreliable, as metrics indicate poor data quality at this position in the gnomAD database. This variant has not been reported in the literature in individuals affected with WNT3A-related conditions. Advanced modeling of protein sequence and biophysical properties (such as structural, functional, and spatial information, amino acid conservation, physicochemical variation, residue mobility, and thermodynamic stability) performed at Invitae indicates that this missense variant is not expected to disrupt WNT3A protein function. In summary, the available evidence is currently insufficient to determine the role of this variant in disease. Therefore, it has been classified as a Variant of Uncertain Significance.

NM_033131.4(WNT3A):c.995A>G (p.His332Arg)

Gene: WNT3A (Wnt family member 3A; plus strand). Cytogenetic location: 1q42.13.
Variant type: single nucleotide variant.
Coding change: c.995A>G on transcript NM_033131.4 (MANE Select); coding-DNA position 995, A replaced by G.
Protein change: p.His332Arg; replaces histidine 332 with arginine.
Molecular consequence: missense variant.
Genome position (GRCh38, 1-based): chr1:228,059,401, A>G. VCF-style: chr1-228059401-A-G. GRCh37 (hg19) VCF-style: chr1-228247102-A-G.
Other names: c.995A>G (NM_033131.3); short protein forms H332R.
Identifiers: ClinVar variation 2905772 (VCV002905772.4), dbSNP rs779887551, ClinGen allele CA1429568.